The following is an entry in ClinVar:

Conditions:
Long QT syndrome 5 (LQT5). Identifiers: Orphanet 101016, Orphanet 768, MedGen C1867904, MONDO:0013372, OMIM 613695.

Submission:

Roden Lab, Vanderbilt University Medical Center
No classification provided (evidence only). Condition: Long QT syndrome 5. Review status: no classification provided. Collection method: in vitro. Allele origin: not applicable. Functional consequence: Effect on ion channel function.
ClinVar note: "not provided" was previously submitted as the classification for the variant. However, the classification appeared to be based only on an observation of functional data so it was converted to no classification on 2025-07-30.

NM_000219.6(KCNE1):c.122A>C (p.Lys41Thr)

Gene: KCNE1 (potassium voltage-gated channel subfamily E regulatory subunit 1; minus strand). Cytogenetic location: 21q22.12.
Variant type: single nucleotide variant.
Coding change: c.122A>C on transcript NM_000219.6 (MANE Select); coding-DNA position 122, A replaced by C.
Protein change: p.Lys41Thr; replaces lysine 41 with threonine.
Molecular consequence: missense variant.
Genome position (GRCh38, 1-based): chr21:34,449,513, T>G on the plus strand (A>C on the coding strand, the complement: KCNE1 is on the minus strand). VCF-style: chr21-34449513-T-G. GRCh37 (hg19) VCF-style: chr21-35821811-T-G.
Other names: c.122A>C, p.Lys41Thr (NM_001127668.4, NM_001127669.4, NM_001127670.4 and 4 more transcripts); short protein forms K41T.
Identifiers: ClinVar variation 3374102 (VCV003374102.2).